The following is an entry in ClinVar:

NM_005228.5(EGFR):c.1382T>A (p.Val461Glu)

Gene: EGFR (epidermal growth factor receptor; plus strand). Cytogenetic location: 7p11.2.
Variant type: single nucleotide variant.
Coding change: c.1382T>A on transcript NM_005228.5 (MANE Select); coding-DNA position 1382, T replaced by A.
Protein change: p.Val461Glu; replaces valine 461 with glutamic acid.
Molecular consequence: missense variant.
Genome position (GRCh38, 1-based): chr7:55,160,222, T>A. VCF-style: chr7-55160222-T-A. GRCh37 (hg19) VCF-style: chr7-55227915-T-A.
Other names: c.1247T>A, p.Val416Glu (NM_001346897.2, NM_001346899.2); c.1382T>A, p.Val461Glu (NM_001346898.2, NM_201282.2, NM_201284.2); c.1223T>A, p.Val408Glu (NM_001346900.2); c.581T>A, p.Val194Glu (NM_001346941.2); short protein forms V408E, V461E, V416E, V194E.
Identifiers: ClinVar variation 4247299 (VCV004247299.1).

ClinVar aggregate classification (germline): Uncertain significance (1 of 4 stars; one submission).

Conditions:
Hereditary cancer-predisposing syndrome. Also called: Hereditary Cancer Syndrome; Hereditary neoplastic syndrome; Neoplastic Syndromes, Hereditary; Tumor predisposition. Identifiers: Orphanet 140162, MedGen C0027672, MeSH D009386, MONDO:0015356.

Submission:

Ambry Genetics
Classification: Uncertain significance for Hereditary cancer-predisposing syndrome. Last evaluated: 2025-07-13. Review status: criteria provided, single submitter. Criteria: Ambry Variant Classification Scheme 2023. Collection method: clinical testing. Allele origin: germline.
Comment: The p.V461E variant (also known as c.1382T>A), located in coding exon 12 of the EGFR gene, results from a T to A substitution at nucleotide position 1382. The valine at codon 461 is replaced by glutamic acid, an amino acid with dissimilar properties. This amino acid position is conserved. In addition, this alteration is predicted to be deleterious by in silico analysis. Based on the available evidence, the clinical significance of this variant remains unclear.